The following is an entry in ClinVar:

NM_016239.4(MYO15A):c.4520G>A (p.Arg1507Gln)

Gene: MYO15A (myosin XVA; plus strand). Cytogenetic location: 17p11.2.
Variant type: single nucleotide variant.
Coding change: c.4520G>A on transcript NM_016239.4 (MANE Select); coding-DNA position 4520, G replaced by A.
Protein change: p.Arg1507Gln; replaces arginine 1507 with glutamine.
Molecular consequence: missense variant.
Genome position (GRCh38, 1-based): chr17:18,135,748, G>A. VCF-style: chr17-18135748-G-A. GRCh37 (hg19) VCF-style: chr17-18039062-G-A.
Other names: short protein forms R1507Q.
Identifiers: ClinVar variation 2662682 (VCV002662682.2), dbSNP rs764263371, ClinGen allele CA8423925.
Genomic context (GRCh38, chr17:18,135,748, plus strand): 5'-ATTCCTGTTGGTATTTTGCATAGACGGATGCACAGGAGGTGGCCTCAGTGGTGAGTGCCC[G>A]AGAGATCCAGGCCGTGGCAGAGCTGCTGCAGATCTCCCCTGAGGGCCTGCAGAAGGCCAT-3'
Protein context (NP_057323.3, residues 1497-1517): AQEVASVVSA[Arg1507Gln]EIQAVAELLQ

ClinVar aggregate classification (germline): Uncertain significance. Review status: criteria provided, multiple submitters, no conflicts (2 of 4 stars). 2 submissions from 2 submitters: Uncertain significance (2). Last evaluated 2024-01-30.

Allele frequency attached by ClinVar (database versions not stated): TOPMed 0.00002; gnomAD 0.00003.
gnomAD v4.1: 22 of 1,614,032 alleles (0.0014%); highest among the groups gnomAD compares: East Asian, 0.02%; no homozygotes.

Submissions (2):

Blueprint Genetics
Classification: Uncertain significance. Last evaluated: 2024-01-30. Review status: criteria provided, single submitter. Criteria: ACMG Guidelines, 2015. Collection method: clinical testing. Allele origin: germline.

GeneDx
Classification: Uncertain significance. Last evaluated: 2023-04-12. Review status: criteria provided, single submitter. Criteria: GeneDx Variant Classification Process June 2021. Collection method: clinical testing. Allele origin: germline. Affected: yes.
Comment: In silico analysis supports that this missense variant does not alter protein structure/function; Has not been previously published as pathogenic or benign to our knowledge